The following is an entry in ClinVar:

NM_001164508.2(NEB):c.24022-1G>C

Genes: NEB (nebulin; minus strand), RIF1 (replication timing regulatory factor 1; plus strand). Cytogenetic location: 2q23.3.
Variant type: single nucleotide variant.
Coding change: c.24022-1G>C on transcript NM_001164508.2 (MANE Select); the canonical splice acceptor site of the intron before coding-DNA position 24022, G replaced by C.
Molecular consequence: splice acceptor variant. On other transcripts: intron variant (1).
Genome position (GRCh38, 1-based): chr2:151,499,391, C>G on the plus strand (G>C on the coding strand, the complement: NEB is on the minus strand). VCF-style: chr2-151499391-C-G. GRCh37 (hg19) VCF-style: chr2-152355905-C-G.
Other names: c.18826-3023G>C (NM_004543.5); c.24022-1G>C (NM_001164507.2); c.24127-1G>C (NM_001271208.2).
Identifiers: ClinVar variation 551556 (VCV000551556.9), dbSNP rs1553561697, ClinGen allele CA348779694.
Genomic context (GRCh38, chr2:151,499,391, plus strand): 5'-CTCCATCTCTGGAGTGATGGGGATTGGAATCCCTTTTCCAACGTTTTCTTTATACAACAC[C>G]TGTATGACACAAGAAAGCATCCAGAAAAAACAAGAGCAGTCAAAACAGCCCTTTCATCTA-3'

ClinVar aggregate classification (germline): Likely pathogenic. Review status: criteria provided, single submitter (1 of 4 stars). 2 submissions from 2 submitters: Likely pathogenic (1). 1 of the submissions does not count toward it. Last evaluated 2020-10-11.

Conditions:
Nemaline myopathy 2 (NEM2). Also called: Nemaline myopathy 2, autosomal recessive. Identifiers: MedGen C1850569, MONDO:0009725, OMIM 256030.

Allele frequency attached by ClinVar (database versions not stated): gnomAD 0.00001; TOPMed below 0.00001.
gnomAD v4.1: 2 of 1,507,564 alleles (0.00013%); highest among the groups gnomAD compares: African/African-American, 0.0028%; no homozygotes.

Submissions (2):

Labcorp Genetics (formerly Invitae), Labcorp
Classification: Likely pathogenic for Nemaline myopathy 2. Last evaluated: 2020-10-11. Review status: criteria provided, single submitter. Criteria: Invitae Variant Classification Sherloc (09022015). Collection method: clinical testing. Allele origin: germline.
Comment: This sequence change affects an acceptor splice site in intron 169 of the NEB gene. It is expected to disrupt RNA splicing and likely results in an absent or disrupted protein product. In summary, the currently available evidence indicates that the variant is pathogenic, but additional data are needed to prove that conclusively. Therefore, this variant has been classified as Likely Pathogenic. Donor and acceptor splice site variants typically lead to a loss of protein function (PMID: 16199547), and loss-of-function variants in NEB are known to be pathogenic (PMID: 25205138). Algorithms developed to predict the effect of sequence changes on RNA splicing suggest that this variant may disrupt the consensus splice site, but this prediction has not been confirmed by published transcriptional studies. This variant has not been reported in the literature in individuals with NEB-related conditions. ClinVar contains an entry for this variant (Variation ID: 551556). This variant is not present in population databases (ExAC no frequency).

Counsyl
Classification: Likely pathogenic for Nemaline myopathy 2. Last evaluated: 2017-04-18. Review status: no assertion criteria provided. Collection method: clinical testing. Allele origin: unknown. Not counted in ClinVar's aggregate classification.

Literature cited by the submitters: PubMed 16199547 (cited by Labcorp Genetics (formerly Invitae), Labcorp); PubMed 25205138 (cited by Labcorp Genetics (formerly Invitae), Labcorp).